The following is an entry in ClinVar:

ClinVar aggregate classification (germline): Uncertain significance. Review status: criteria provided, multiple submitters, no conflicts (2 of 4 stars). 2 submissions from 2 submitters: Uncertain significance (2). Last evaluated 2025-09-03.

Conditions:
Primary dilated cardiomyopathy (DCM). Also called: Dilated Cardiomyopathy. Identifiers: Orphanet 217604, MedGen C0007193, MeSH D002311, MONDO:0005021, HP:0001644. Inheritance: Various modes of inheritance.

Allele frequency attached by ClinVar (database versions not stated): gnomAD exomes 0.00001 and 0.00002; ExAC 0.00003; TOPMed 0.00003; gnomAD 0.00004 and 0.00005; ESP Exome Variant Server 0.00008; 1000 Genomes Project 0.00040; 1000 Genomes Project 30x 0.00062.

Submissions (2):

Labcorp Genetics (formerly Invitae), Labcorp
Classification: Uncertain significance for Primary dilated cardiomyopathy. Last evaluated: 2025-09-03. Review status: criteria provided, single submitter. Criteria: Invitae Variant Classification Sherloc (09022015). Collection method: clinical testing. Allele origin: germline.
Comment: This sequence change replaces methionine, which is neutral and non-polar, with threonine, which is neutral and polar, at codon 669 of the NEBL protein (p.Met669Thr). This variant is present in population databases (rs375197621, gnomAD 0.02%). This variant has not been reported in the literature in individuals affected with NEBL-related conditions. ClinVar contains an entry for this variant (Variation ID: 1052389). An algorithm developed to predict the effect of missense changes on protein structure and function outputs the following: PolyPhen-2: "Benign". The threonine amino acid residue is found in multiple mammalian species, which suggests that this missense change does not adversely affect protein function. In summary, the available evidence is currently insufficient to determine the role of this variant in disease. Therefore, it has been classified as a Variant of Uncertain Significance.

Ambry Genetics
Classification: Uncertain significance. Last evaluated: 2024-01-09. Review status: criteria provided, single submitter. Criteria: Ambry Variant Classification Scheme 2023. Collection method: clinical testing. Allele origin: germline.

NM_006393.3(NEBL):c.2006T>C (p.Met669Thr)

Gene: NEBL (nebulette; minus strand). Cytogenetic location: 10p12.31.
Variant type: single nucleotide variant.
Coding change: c.2006T>C on transcript NM_006393.3 (MANE Select); coding-DNA position 2006, T replaced by C.
Protein change: p.Met669Thr; replaces methionine 669 with threonine.
Molecular consequence: missense variant. On other transcripts: intron variant (9).
Genome position (GRCh38, 1-based): chr10:20,819,473, A>G on the plus strand (T>C on the coding strand, the complement: NEBL is on the minus strand). VCF-style: chr10-20819473-A-G. GRCh37 (hg19) VCF-style: chr10-21108402-A-G.
Other names: c.250-6533T>C (NM_001377326.1, NM_001377327.1, NM_001377328.1); c.358-6533T>C (NM_213569.2, NM_001173484.2, NM_001377322.1); c.301-6533T>C (NM_001377324.1); c.292-6533T>C (NM_001377325.1); c.310-6533T>C (NM_001377323.1); c.2006T>C (NM_006393.2); short protein forms M669T.
Identifiers: ClinVar variation 1052389 (VCV001052389.11), dbSNP rs375197621, ClinGen allele CA5432652.